The following is an entry in ClinVar:

NM_005257.6(GATA6):c.76G>A (p.Ala26Thr)

Gene: GATA6 (GATA binding protein 6; plus strand). Cytogenetic location: 18q11.2.
Variant type: single nucleotide variant.
Coding change: c.76G>A on transcript NM_005257.6 (MANE Select); coding-DNA position 76, G replaced by A.
Protein change: p.Ala26Thr; replaces alanine 26 with threonine.
Molecular consequence: missense variant.
Genome position (GRCh38, 1-based): chr18:22,171,220, G>A. VCF-style: chr18-22171220-G-A. GRCh37 (hg19) VCF-style: chr18-19751181-G-A.
Other names: short protein forms A26T.
Identifiers: ClinVar variation 3722843 (VCV003722843.2).

ClinVar aggregate classification (germline): Uncertain significance (1 of 4 stars; one submission).

Conditions:
Atrioventricular septal defect 5 (AVSD5). Identifiers: MedGen C3280939, MONDO:0013769, OMIM 614474.

Submission:

Labcorp Genetics (formerly Invitae), Labcorp
Classification: Uncertain significance for Atrioventricular septal defect 5. Last evaluated: 2024-10-13. Review status: criteria provided, single submitter. Criteria: Invitae Variant Classification Sherloc (09022015). Collection method: clinical testing. Allele origin: germline.
Comment: This sequence change replaces alanine, which is neutral and non-polar, with threonine, which is neutral and polar, at codon 26 of the GATA6 protein (p.Ala26Thr). This variant is not present in population databases (gnomAD no frequency). This variant has not been reported in the literature in individuals affected with GATA6-related conditions. An algorithm developed to predict the effect of missense changes on protein structure and function outputs the following: PolyPhen-2: "Benign". The threonine amino acid residue is found in multiple mammalian species, which suggests that this missense change does not adversely affect protein function. In summary, the available evidence is currently insufficient to determine the role of this variant in disease. Therefore, it has been classified as a Variant of Uncertain Significance.